The following is an entry in ClinVar:

ClinVar aggregate classification (germline): Benign/Likely benign. Review status: criteria provided, multiple submitters, no conflicts (2 of 4 stars). 3 submissions from 3 submitters: Benign (1); Likely benign (2). Last evaluated 2025-08-20.

Conditions:
Hereditary cancer-predisposing syndrome. Also called: Hereditary neoplastic syndrome; Neoplastic Syndromes, Hereditary; Hereditary Cancer Syndrome; Tumor predisposition. Identifiers: Orphanet 140162, MedGen C0027672, MeSH D009386, MONDO:0015356.
Familial cancer of breast. Also called: BREAST CANCER, FAMILIAL; Hereditary breast cancer; hereditary breast carcinoma. Identifiers: Orphanet 227535, MedGen C0346153, MONDO:0016419, OMIM 114480. Disease mechanism: loss of function.

Allele frequency attached by ClinVar (database versions not stated): gnomAD exomes below 0.00001; gnomAD 0.00001.
gnomAD v4.1: 2 of 1,613,780 alleles (0.00012%); highest among the groups gnomAD compares: Admixed American, 0.0017%; no homozygotes.

Submissions (3):

Labcorp Genetics (formerly Invitae), Labcorp
Classification: Likely benign for Familial cancer of breast. Last evaluated: 2025-08-20. Review status: criteria provided, single submitter. Criteria: Invitae Variant Classification Sherloc (09022015). Collection method: clinical testing. Allele origin: germline.

Myriad Genetics, Inc.
Classification: Benign for Familial cancer of breast. Last evaluated: 2024-10-01. Review status: criteria provided, single submitter. Criteria: Myriad Autosomal Dominant, Autosomal Recessive and X-Linked Classification Criteria (2023). Collection method: clinical testing. Allele origin: unknown.
Comment: This variant is considered benign. This variant is a silent/synonymous amino acid change and it is not expected to impact splicing.

Ambry Genetics
Classification: Likely benign for Hereditary cancer-predisposing syndrome. Last evaluated: 2021-07-18. Review status: criteria provided, single submitter. Criteria: Ambry Variant Classification Scheme 2023. Collection method: clinical testing. Allele origin: germline.

NM_007194.4(CHEK2):c.102G>A (p.Gln34=)

Gene: CHEK2 (checkpoint kinase 2; minus strand). Cytogenetic location: 22q12.1.
Variant type: single nucleotide variant.
Coding change: c.102G>A on transcript NM_007194.4 (MANE Select); coding-DNA position 102, G replaced by A.
Protein change: p.Gln34=; no amino-acid change (glutamine 34 retained).
Molecular consequence: synonymous variant.
Genome position (GRCh38, 1-based): chr22:28,734,620, C>T on the plus strand (G>A on the coding strand, the complement: CHEK2 is on the minus strand). VCF-style: chr22-28734620-C-T. GRCh37 (hg19) VCF-style: chr22-29130608-C-T.
Other names: c.102G>A, p.Gln34= (NM_001005735.3, NM_001349956.3, NM_145862.3); c.-676G>A (NM_001257387.3).
Identifiers: ClinVar variation 530238 (VCV000530238.15), dbSNP rs1555932675, ClinGen allele CA513946607.